The following is an entry in ClinVar:

NM_001378454.1(ALMS1):c.5276A>G (p.Tyr1759Cys)

Gene: ALMS1 (ALMS1 centrosome and basal body associated protein; plus strand). Cytogenetic location: 2p13.1.
Variant type: single nucleotide variant.
Coding change: c.5276A>G on transcript NM_001378454.1 (MANE Select); coding-DNA position 5276, A replaced by G.
Protein change: p.Tyr1759Cys; replaces tyrosine 1759 with cysteine.
Molecular consequence: missense variant.
Genome position (GRCh38, 1-based): chr2:73,451,803, A>G. VCF-style: chr2-73451803-A-G. GRCh37 (hg19) VCF-style: chr2-73678930-A-G.
Other names: c.5279A>G, p.Tyr1760Cys (NM_015120.4); short protein forms Y1760C, Y1759C.
Identifiers: ClinVar variation 506220 (VCV000506220.16), dbSNP rs200293447, ClinGen allele CA1713853.
Genomic context (GRCh38, chr2:73,451,803, plus strand): 5'-CAGCTGTTCCTCAACCAGCTGACCAGAAGACTGGGTTATCTACTGTAACTTCCTCTTTCT[A>G]TTCACATACAGAGAAGCCTAATATTTCTTACCAGCAAGAGTTGCCAGATAGTCATCTAAC-3'
Protein context (NP_001365383.1, residues 1749-1769): TGLSTVTSSF[Tyr1759Cys]SHTEKPNISY

ClinVar aggregate classification (germline): Uncertain significance. Review status: criteria provided, multiple submitters, no conflicts (2 of 4 stars). 7 submissions from 7 submitters: Uncertain significance (6). 1 of the submissions does not count toward it. Last evaluated 2025-08-05.

Conditions:
Alstrom syndrome (ALMS). Identifiers: Orphanet 64, MedGen C0268425, MONDO:0008763, OMIM 203800.
Cardiovascular phenotype. Identifiers: MedGen CN230736.

Allele frequency attached by ClinVar (database versions not stated): gnomAD exomes 0.00009 and 0.00012; gnomAD 0.00014 and 0.00015; TOPMed 0.00015; ExAC 0.00017; ESP Exome Variant Server 0.00025.
gnomAD v4.1: 150 of 1,613,992 alleles (0.0093%); highest among the groups gnomAD compares: African/African-American, 0.032%; no homozygotes.

Submissions (7):

Ambry Genetics
Classification: Uncertain significance for Cardiovascular phenotype. Last evaluated: 2025-08-05. Review status: criteria provided, single submitter. Criteria: Ambry Variant Classification Scheme 2023. Collection method: clinical testing. Allele origin: germline.
Comment: The p.Y1760C variant (also known as c.5279A>G), located in coding exon 8 of the ALMS1 gene, results from an A to G substitution at nucleotide position 5279. The tyrosine at codon 1760 is replaced by cysteine, an amino acid with highly dissimilar properties. This amino acid position is well conserved in available vertebrate species. In addition, this alteration is predicted to be tolerated by in silico analysis. Based on the available evidence, the clinical significance of this variant remains unclear.

Women's Health and Genetics/Laboratory Corporation of America, LabCorp
Classification: Uncertain significance. Last evaluated: 2023-08-20. Review status: criteria provided, single submitter. Criteria: LabCorp Variant Classification Summary - May 2015. Collection method: clinical testing. Allele origin: germline.

Blueprint Genetics
Classification: Uncertain significance. Last evaluated: 2023-08-08. Review status: criteria provided, single submitter. Criteria: ACMG Guidelines, 2015. Collection method: clinical testing. Allele origin: germline.

GeneDx
Classification: Uncertain significance. Last evaluated: 2023-04-28. Review status: criteria provided, single submitter. Criteria: GeneDx Variant Classification Process June 2021. Collection method: clinical testing. Allele origin: germline. Affected: yes.
Comment: In silico analysis supports that this missense variant does not alter protein structure/function; Has not been previously published as pathogenic or benign to our knowledge

Labcorp Genetics (formerly Invitae), Labcorp
Classification: Uncertain significance for Alstrom syndrome. Last evaluated: 2022-08-12. Review status: criteria provided, single submitter. Criteria: Invitae Variant Classification Sherloc (09022015). Collection method: clinical testing. Allele origin: germline.
Comment: This sequence change replaces tyrosine, which is neutral and polar, with cysteine, which is neutral and slightly polar, at codon 1760 of the ALMS1 protein (p.Tyr1760Cys). This variant is present in population databases (rs200293447, gnomAD 0.05%). This variant has not been reported in the literature in individuals affected with ALMS1-related conditions. ClinVar contains an entry for this variant (Variation ID: 506220). In summary, the available evidence is currently insufficient to determine the role of this variant in disease. Therefore, it has been classified as a Variant of Uncertain Significance.

Laboratory for Molecular Medicine, Mass General Brigham Personalized Medicine
Classification: Uncertain significance. Last evaluated: 2020-06-08. Review status: criteria provided, single submitter. Criteria: LMM Criteria. Collection method: clinical testing. Allele origin: germline. Observed: 1 variant allele.
Comment: The p.Tyr1760Cys variant in ALMS1 has not been previously reported in individuals with hearing loss or Alstrom syndrome, but has been identified in 0.05% (12/24184) of African chromosomes by gnomAD. Computational prediction tools and conservation analyses suggest that this variant may not impact the protein, though this information is not predictive enough to rule out pathogenicity. In summary, the clinical significance of the p.Tyr1758Cys variant is uncertain. ACMG/AMP Criteria applied: BP4.

Natera, Inc.
Classification: Uncertain significance for Alstrom syndrome. Last evaluated: 2019-10-28. Review status: no assertion criteria provided. Collection method: clinical testing. Allele origin: germline. Not counted in ClinVar's aggregate classification.